The following is an entry in ClinVar:

NM_000497.4(CYP11B1):c.1123C>G (p.Leu375Val)

Genes: CYP11B1 (cytochrome P450 family 11 subfamily B member 1; minus strand), LOC106799833 (CYP11B1 recombination region; plus strand). Cytogenetic location: 8q24.3.
Variant type: single nucleotide variant.
Coding change: c.1123C>G on transcript NM_000497.4 (MANE Select); coding-DNA position 1123, C replaced by G.
Protein change: p.Leu375Val; replaces leucine 375 with valine.
Molecular consequence: missense variant.
Genome position (GRCh38, 1-based): chr8:142,875,311, G>C on the plus strand (C>G on the coding strand, the complement: CYP11B1 is on the minus strand). VCF-style: chr8-142875311-G-C. GRCh37 (hg19) VCF-style: chr8-143956727-G-C.
Other names: c.1123C>G, p.Leu375Val (NM_001026213.1); short protein forms L375V.
Identifiers: ClinVar variation 2013800 (VCV002013800.2), dbSNP rs764996968, ClinGen allele CA4905100.

ClinVar aggregate classification (germline): Uncertain significance (1 of 4 stars; one submission).

Submission:

Labcorp Genetics (formerly Invitae), Labcorp
Classification: Uncertain significance. Last evaluated: 2022-07-03. Review status: criteria provided, single submitter. Criteria: Invitae Variant Classification Sherloc (09022015). Collection method: clinical testing. Allele origin: germline.
Comment: In summary, the available evidence is currently insufficient to determine the role of this variant in disease. Therefore, it has been classified as a Variant of Uncertain Significance. Algorithms developed to predict the effect of missense changes on protein structure and function are either unavailable or do not agree on the potential impact of this missense change (SIFT: "Deleterious"; PolyPhen-2: "Possibly Damaging"; Align-GVGD: "Class C0"). This variant has not been reported in the literature in individuals affected with CYP11B1-related conditions. This variant is present in population databases (rs764996968, gnomAD 0.0009%). This sequence change replaces leucine, which is neutral and non-polar, with valine, which is neutral and non-polar, at codon 375 of the CYP11B1 protein (p.Leu375Val).